The following is an entry in ClinVar:

NM_020754.4(ARHGAP31):c.2615C>T (p.Ser872Leu)

Gene: ARHGAP31 (Rho GTPase activating protein 31; plus strand). Cytogenetic location: 3q13.33.
Variant type: single nucleotide variant.
Coding change: c.2615C>T on transcript NM_020754.4 (MANE Select); coding-DNA position 2615, C replaced by T.
Protein change: p.Ser872Leu; replaces serine 872 with leucine.
Molecular consequence: missense variant.
Genome position (GRCh38, 1-based): chr3:119,414,544, C>T. VCF-style: chr3-119414544-C-T. GRCh37 (hg19) VCF-style: chr3-119133391-C-T.
Other names: short protein forms S872L.
Identifiers: ClinVar variation 2109085 (VCV002109085.4), dbSNP rs2472876340, ClinGen allele CA354052258.

ClinVar aggregate classification (germline): Uncertain significance (1 of 4 stars; one submission).

Submission:

Labcorp Genetics (formerly Invitae), Labcorp
Classification: Uncertain significance. Last evaluated: 2022-05-06. Review status: criteria provided, single submitter. Criteria: Invitae Variant Classification Sherloc (09022015). Collection method: clinical testing. Allele origin: germline.
Comment: In summary, the available evidence is currently insufficient to determine the role of this variant in disease. Therefore, it has been classified as a Variant of Uncertain Significance. Algorithms developed to predict the effect of missense changes on protein structure and function output the following: SIFT: "Tolerated"; PolyPhen-2: "Benign"; Align-GVGD: "Class C0". The leucine amino acid residue is found in multiple mammalian species, which suggests that this missense change does not adversely affect protein function. This variant has not been reported in the literature in individuals affected with ARHGAP31-related conditions. This variant is not present in population databases (gnomAD no frequency). This sequence change replaces serine, which is neutral and polar, with leucine, which is neutral and non-polar, at codon 872 of the ARHGAP31 protein (p.Ser872Leu).